The following is an entry in ClinVar:

NM_001267550.2(TTN):c.32660T>C (p.Ile10887Thr)

Gene: TTN (titin; minus strand). Cytogenetic location: 2q31.2.
Variant type: single nucleotide variant.
Coding change: c.32660T>C on transcript NM_001267550.2 (MANE Select); coding-DNA position 32660, T replaced by C.
Protein change: p.Ile10887Thr; replaces isoleucine 10887 with threonine.
Molecular consequence: missense variant. On other transcripts: intron variant (3).
Genome position (GRCh38, 1-based): chr2:178,684,392, A>G on the plus strand (T>C on the coding strand, the complement: TTN is on the minus strand). VCF-style: chr2-178684392-A-G. GRCh37 (hg19) VCF-style: chr2-179549119-A-G.
Other names: p.I10570T:ATT>ACT; c.31709T>C, p.Ile10570Thr (NM_001256850.1); c.28928T>C, p.Ile9643Thr (NM_133378.4); c.13283-42075T>C (NM_003319.4); c.13859-42075T>C (NM_133437.4); c.13658-42075T>C (NM_133432.3); short protein forms I10570T, I10887T, I9643T.
Identifiers: ClinVar variation 202572 (VCV000202572.11), dbSNP rs371538856, ClinGen allele CA309626.

ClinVar aggregate classification (germline): Conflicting classifications of pathogenicity. Review status: criteria provided, conflicting classifications (1 of 4 stars). 5 submissions from 5 submitters: Uncertain significance (4); Likely benign (1). Last evaluated 2026-04-28.

Conditions:
TTN-related disorder. Also called: TTN-related condition; TTN-related disease; TTN-related disorders.
Dilated cardiomyopathy 1G (CMD1G). Identifiers: Orphanet 154, MedGen C1858763, MONDO:0011400, OMIM 604145.
Autosomal recessive limb-girdle muscular dystrophy type 2J (LGMDR10). Also called: Limb-girdle muscular dystrophy, type 2J; MUSCULAR DYSTROPHY, LIMB-GIRDLE, AUTOSOMAL RECESSIVE 10. Identifiers: Orphanet 140922, MedGen C1837342, MONDO:0012127, OMIM 608807.

Allele frequency attached by ClinVar (database versions not stated): gnomAD exomes 0.00001 and 0.00002; ExAC 0.00002; TOPMed 0.00010; gnomAD 0.00014.
gnomAD v4.1: 30 of 1,613,610 alleles (0.0019%); highest among the groups gnomAD compares: African/African-American, 0.039%; 1 homozygote.

Submissions (5):

Women's Health and Genetics/Laboratory Corporation of America, LabCorp
Classification: Uncertain significance. Last evaluated: 2026-04-28. Review status: criteria provided, single submitter. Criteria: LabCorp Variant Classification Summary - May 2015. Collection method: clinical testing. Allele origin: germline.
Comment: Variant summary: TTN c.28928T>C (p.Ile9643Thr) results in a non-conservative amino acid change in the encoded protein sequence. Algorithms developed to predict the effect of missense changes on protein structure and function are either unavailable or do not agree on the potential impact of this missense change. The variant allele was found at a frequency of 1.6e-05 in 248924 control chromosomes. The available data on variant occurrences in the general population are insufficient to allow any conclusion about variant significance. To our knowledge, no occurrence of c.28928T>C in individuals affected with TTN-related conditions and no experimental evidence demonstrating its impact on protein function have been reported. ClinVar contains an entry for this variant (Variation ID: 202572). Based on the evidence outlined above, the variant was classified as uncertain significance.

PreventionGenetics, part of Exact Sciences
Classification: Uncertain significance for TTN-related condition. Last evaluated: 2026-04-13. Review status: criteria provided, single submitter. Criteria: ACMG Guidelines, 2015. Collection method: clinical testing. Allele origin: germline.
Comment: The TTN c.32660T>C variant is predicted to result in the amino acid substitution p.Ile10887Thr. To our knowledge, this variant has not been reported in the literature. This variant is reported in 0.029% of alleles in individuals of African descent in gnomAD. At this time, the clinical significance of this variant is uncertain due to the absence of conclusive functional and genetic evidence.

Revvity Omics, Revvity
Classification: Uncertain significance. Last evaluated: 2021-02-04. Review status: criteria provided, single submitter. Criteria: ACMG Guidelines, 2015. Collection method: clinical testing. Allele origin: germline.

GeneDx
Classification: Likely benign. Last evaluated: 2019-11-18. Review status: criteria provided, single submitter. Criteria: GeneDx Variant Classification Process June 2021. Collection method: clinical testing. Allele origin: germline. Affected: yes.

Labcorp Genetics (formerly Invitae), Labcorp
Classification: Uncertain significance for Dilated cardiomyopathy 1G; Autosomal recessive limb-girdle muscular dystrophy type 2J. Last evaluated: 2016-11-23. Review status: criteria provided, single submitter. Criteria: Invitae Variant Classification Sherloc (09022015). Collection method: clinical testing. Allele origin: germline.